The following is an entry in ClinVar:

NM_014141.6(CNTNAP2):c.848G>T (p.Arg283Leu)

Gene: CNTNAP2 (contactin associated protein 2; plus strand). Cytogenetic location: 7q35.
Variant type: single nucleotide variant.
Coding change: c.848G>T on transcript NM_014141.6 (MANE Select); coding-DNA position 848, G replaced by T.
Protein change: p.Arg283Leu; replaces arginine 283 with leucine.
Molecular consequence: missense variant.
Genome position (GRCh38, 1-based): chr7:147,121,072, G>T. VCF-style: chr7-147121072-G-T. GRCh37 (hg19) VCF-style: chr7-146818164-G-T.
Other names: short protein forms R283L.
Identifiers: ClinVar variation 590179 (VCV000590179.5), dbSNP rs764747425, ClinGen allele CA369923912.

ClinVar aggregate classification (germline): Uncertain significance (1 of 4 stars; one submission).

Conditions:
Inborn genetic diseases. Identifiers: MedGen C0950123, MeSH D030342.

Allele frequency attached by ClinVar (database versions not stated): TOPMed 0.00002.

Submission:

Ambry Genetics
Classification: Uncertain significance for Inborn genetic diseases. Last evaluated: 2017-05-31. Review status: criteria provided, single submitter. Criteria: Ambry Variant Classification Scheme 2023. Collection method: clinical testing. Allele origin: germline.
Comment: The p.R283L variant (also known as c.848G>T), located in coding exon 6 of the CNTNAP2 gene, results from a G to T substitution at nucleotide position 848. The arginine at codon 283 is replaced by leucine, an amino acid with dissimilar properties. This amino acid position is highly conserved in available vertebrate species. In addition, this alteration is predicted to be deleterious by in silico analysis. Since supporting evidence is limited at this time, the clinical significance of this alteration remains unclear.